The following is an entry in ClinVar:

ClinVar aggregate classification (germline): Uncertain significance (1 of 4 stars; one submission).

Allele frequency attached by ClinVar (database versions not stated): ExAC 0.00001.

Submission:

Labcorp Genetics (formerly Invitae), Labcorp
Classification: Uncertain significance. Last evaluated: 2023-10-30. Review status: criteria provided, single submitter. Criteria: Invitae Variant Classification Sherloc (09022015). Collection method: clinical testing. Allele origin: germline.
Comment: This sequence change replaces lysine, which is basic and polar, with glutamic acid, which is acidic and polar, at codon 163 of the PPP1R15B protein (p.Lys163Glu). This variant is present in population databases (rs769175135, gnomAD 0.0009%). This variant has not been reported in the literature in individuals affected with PPP1R15B-related conditions. Advanced modeling of protein sequence and biophysical properties (such as structural, functional, and spatial information, amino acid conservation, physicochemical variation, residue mobility, and thermodynamic stability) performed at Invitae indicates that this missense variant is not expected to disrupt PPP1R15B protein function with a negative predictive value of 80%. In summary, the available evidence is currently insufficient to determine the role of this variant in disease. Therefore, it has been classified as a Variant of Uncertain Significance.

NM_032833.5(PPP1R15B):c.487A>G (p.Lys163Glu)

Gene: PPP1R15B (protein phosphatase 1 regulatory subunit 15B; minus strand). Cytogenetic location: 1q32.1.
Variant type: single nucleotide variant.
Coding change: c.487A>G on transcript NM_032833.5 (MANE Select); coding-DNA position 487, A replaced by G.
Protein change: p.Lys163Glu; replaces lysine 163 with glutamic acid.
Molecular consequence: missense variant.
Genome position (GRCh38, 1-based): chr1:204,410,925, T>C on the plus strand (A>G on the coding strand, the complement: PPP1R15B is on the minus strand). VCF-style: chr1-204410925-T-C. GRCh37 (hg19) VCF-style: chr1-204380053-T-C.
Other names: short protein forms K163E.
Identifiers: ClinVar variation 2807527 (VCV002807527.3), dbSNP rs769175135, ClinGen allele CA1346805.